The following is an entry in ClinVar:

ClinVar aggregate classification (germline): Uncertain significance (1 of 4 stars; one submission).

Conditions:
RARB-related disorder. Also called: RARB-related condition.

gnomAD v4.1: 14 of 1,612,856 alleles (0.00087%); highest among the groups gnomAD compares: Non-Finnish European, 0.0012%; no homozygotes.

Submission:

PreventionGenetics, part of Exact Sciences
Classification: Uncertain significance for RARB-related condition. Last evaluated: 2024-11-17. Review status: criteria provided, single submitter. Criteria: ACMG Guidelines, 2015. Collection method: clinical testing. Allele origin: germline.
Comment: The RARB c.137A>C variant is predicted to result in the amino acid substitution p.Gln46Pro. To our knowledge, this variant has not been reported in the literature. This variant is reported in 0.0065% of alleles in individuals of European (Non-Finnish) descent in gnomAD. At this time, the clinical significance of this variant is uncertain due to the absence of conclusive functional and genetic evidence.

NM_000965.5(RARB):c.137A>C (p.Gln46Pro)

Gene: RARB (retinoic acid receptor beta; plus strand). Cytogenetic location: 3p24.2.
Variant type: single nucleotide variant.
Coding change: c.137A>C on transcript NM_000965.5 (MANE Select); coding-DNA position 137, A replaced by C.
Protein change: p.Gln46Pro; replaces glutamine 46 with proline.
Molecular consequence: missense variant. On other transcripts: 5 prime UTR variant (1), non-coding transcript variant (2), intron variant (4).
Genome position (GRCh38, 1-based): chr3:25,428,868, A>C. VCF-style: chr3-25428868-A-C. GRCh37 (hg19) VCF-style: chr3-25470359-A-C.
Other names: c.-200A>C (NM_001290276.2); c.137A>C, p.Gln46Pro (NM_001290277.1); c.179-32325A>C (NM_001290216.3); c.29-32325A>C (NM_001290300.2); c.-180+337A>C (NM_016152.4); c.10+337A>C (NM_001290266.2); short protein forms Q46P.
Identifiers: ClinVar variation 4983684 (VCV004983684.1).